The following is an entry in ClinVar:

NM_000321.3(RB1):c.660A>G (p.Leu220=)

Gene: RB1 (RB transcriptional corepressor 1; plus strand). Cytogenetic location: 13q14.2.
Variant type: single nucleotide variant.
Coding change: c.660A>G on transcript NM_000321.3 (MANE Select); coding-DNA position 660, A replaced by G.
Protein change: p.Leu220=; no amino-acid change (leucine 220 retained).
Molecular consequence: synonymous variant.
Genome position (GRCh38, 1-based): chr13:48,360,069, A>G. VCF-style: chr13-48360069-A-G. GRCh37 (hg19) VCF-style: chr13-48934205-A-G.
Identifiers: ClinVar variation 578882 (VCV000578882.13), dbSNP rs886449283, ClinGen allele CA249273468.

ClinVar aggregate classification (germline): Benign/Likely benign. Review status: criteria provided, multiple submitters, no conflicts (2 of 4 stars). 4 submissions from 4 submitters: Benign (1); Likely benign (3). Last evaluated 2026-06-24.

Conditions:
Hereditary cancer-predisposing syndrome. Also called: Neoplastic Syndromes, Hereditary; Tumor predisposition; Hereditary Cancer Syndrome; Hereditary neoplastic syndrome. Identifiers: Orphanet 140162, MedGen C0027672, MeSH D009386, MONDO:0015356.
Retinoblastoma (RB1). Also called: RETINOBLASTOMA, SOMATIC. Identifiers: Orphanet 790, MedGen C0035335, MeSH D012175, MONDO:0008380, OMIM 180200, HP:0009919. Disease mechanism: loss of function. Inheritance: Both sporadic and heritable forms are tested..
RB1-related disorder. Also called: RB1-related condition.

Allele frequency attached by ClinVar (database versions not stated): gnomAD exomes below 0.00001; TOPMed below 0.00001.
gnomAD v4.1: 3 of 1,612,712 alleles (0.00019%); highest among the groups gnomAD compares: South Asian, 0.0033%; no homozygotes.

Submissions (4):

Myriad Genetics, Inc.
Classification: Benign for Retinoblastoma. Last evaluated: 2026-06-24. Review status: criteria provided, single submitter. Criteria: Myriad Autosomal Dominant, Autosomal Recessive and X-Linked Classification Criteria (2023). Collection method: clinical testing. Allele origin: unknown.
Comment: This variant is considered benign. This variant is a silent/synonymous amino acid change and it is not expected to impact splicing.

PreventionGenetics, part of Exact Sciences
Classification: Likely benign for RB1-related condition. Last evaluated: 2025-05-15. Review status: criteria provided, single submitter. Criteria: ACMG Guidelines, 2015. Collection method: clinical testing. Allele origin: germline.
Comment: This variant is classified as likely benign based on ACMG/AMP sequence variant interpretation guidelines (Richards et al. 2015 PMID: 25741868, with internal and published modifications).

Labcorp Genetics (formerly Invitae), Labcorp
Classification: Likely benign for Retinoblastoma. Last evaluated: 2024-02-19. Review status: criteria provided, single submitter. Criteria: Invitae Variant Classification Sherloc (09022015). Collection method: clinical testing. Allele origin: germline.

Ambry Genetics
Classification: Likely benign for Hereditary cancer-predisposing syndrome. Last evaluated: 2019-10-20. Review status: criteria provided, single submitter. Criteria: Ambry Variant Classification Scheme 2023. Collection method: clinical testing. Allele origin: germline.